The following is an entry in ClinVar:

ClinVar aggregate classification (germline): Conflicting classifications of pathogenicity. Review status: criteria provided, conflicting classifications (1 of 4 stars). 6 submissions from 5 submitters: Uncertain significance (4); Likely benign (1). 1 of the submissions does not count toward it. Last evaluated 2024-11-26.

Conditions:
Laryngo-onycho-cutaneous syndrome (JEB2C). Also called: EPIDERMOLYSIS BULLOSA, JUNCTIONAL 2C, LARYNGOONYCHOCUTANEOUS; LOGIC SYNDROME; SHABBIR SYNDROME. Identifiers: Orphanet 2407, MedGen C1328355, MONDO:0009513, OMIM 245660.
Junctional epidermolysis bullosa gravis of Herlitz. Also called: Herlitz-type junctional epidermolysis bullosa; EPIDERMOLYSIS BULLOSA, JUNCTIONAL 1B, SEVERE; EPIDERMOLYSIS BULLOSA JUNCTIONALIS, HERLITZ TYPE; EPIDERMOLYSIS BULLOSA, JUNCTIONAL, HERLITZ-PEARSON TYPE; JEB-HERLITZ TYPE; Epidermolysis Bullosa Letalis. Identifiers: Orphanet 79404, MedGen C0079683, MONDO:0009182, OMIM 226700.
LAMA3-related disorder. Also called: LAMA3-related disorders; LAMA3-related condition.

Allele frequency attached by ClinVar (database versions not stated): TOPMed 0.00053; ESP Exome Variant Server 0.00069; ExAC 0.00077.
gnomAD v4.1: 1,476 of 1,613,600 alleles (0.091%); highest among the groups gnomAD compares: Non-Finnish European, 0.12%; no homozygotes.

Submissions (6):

Blueprint Genetics
Classification: Likely benign. Last evaluated: 2024-11-26. Review status: criteria provided, single submitter. Criteria: ACMG Guidelines, 2015. Collection method: clinical testing. Allele origin: germline.

Women's Health and Genetics/Laboratory Corporation of America, LabCorp
Classification: Uncertain significance. Last evaluated: 2023-02-11. Review status: criteria provided, single submitter. Criteria: LabCorp Variant Classification Summary - May 2015. Collection method: clinical testing. Allele origin: germline.

Labcorp Genetics (formerly Invitae), Labcorp
Classification: Uncertain significance. Last evaluated: 2022-05-07. Review status: criteria provided, single submitter. Criteria: Invitae Variant Classification Sherloc (09022015). Collection method: clinical testing. Allele origin: germline.
Comment: This sequence change falls in intron 29 of the LAMA3 gene. It does not directly change the encoded amino acid sequence of the LAMA3 protein. It affects a nucleotide within the consensus splice site. This variant is present in population databases (rs200417639, gnomAD 0.1%). This variant has not been reported in the literature in individuals affected with LAMA3-related conditions. ClinVar contains an entry for this variant (Variation ID: 326339). Variants that disrupt the consensus splice site are a relatively common cause of aberrant splicing (PMID: 17576681, 9536098). Algorithms developed to predict the effect of sequence changes on RNA splicing suggest that this variant is not likely to affect RNA splicing. In summary, the available evidence is currently insufficient to determine the role of this variant in disease. Therefore, it has been classified as a Variant of Uncertain Significance.

Illumina Laboratory Services, Illumina
Classification: Uncertain significance for Junctional epidermolysis bullosa gravis of Herlitz. Last evaluated: 2018-01-13. Review status: criteria provided, single submitter. Criteria: ICSL Variant Classification Criteria 13 December 2019. Collection method: clinical testing. Allele origin: germline.

Illumina Laboratory Services, Illumina
Classification: Uncertain significance for Laryngo-onycho-cutaneous syndrome. Last evaluated: 2018-01-13. Review status: criteria provided, single submitter. Criteria: ICSL Variant Classification Criteria 13 December 2019. Collection method: clinical testing. Allele origin: germline.

PreventionGenetics, part of Exact Sciences
Classification: Likely benign for LAMA3-related condition. Last evaluated: 2024-02-15. Review status: no assertion criteria provided. Collection method: clinical testing. Allele origin: germline. Not counted in ClinVar's aggregate classification.
Comment: This variant is classified as likely benign based on ACMG/AMP sequence variant interpretation guidelines (Richards et al. 2015 PMID: 25741868, with internal and published modifications).

Literature cited by the submitters: PubMed 17576681 (cited by Labcorp Genetics (formerly Invitae), Labcorp); PubMed 9536098 (cited by Labcorp Genetics (formerly Invitae), Labcorp).

NM_198129.4(LAMA3):c.8708+4G>A

Gene: LAMA3 (laminin subunit alpha 3; plus strand). Cytogenetic location: 18q11.2.
Variant type: single nucleotide variant.
Coding change: c.8708+4G>A on transcript NM_198129.4 (MANE Select); 4 bases into the intron after coding-DNA position 8708, G replaced by A.
Molecular consequence: intron variant.
Genome position (GRCh38, 1-based): chr18:23,932,295, G>A. VCF-style: chr18-23932295-G-A. GRCh37 (hg19) VCF-style: chr18-21512259-G-A.
Other names: c.8540+4G>A (NM_001127717.4); c.3881+4G>A (NM_000227.6, NM_000227.4); c.3713+4G>A (NM_001127718.4).
Identifiers: ClinVar variation 326339 (VCV000326339.10), dbSNP rs200417639, ClinGen allele CA8916990.